The following is an entry in ClinVar:

ClinVar aggregate classification (germline): Pathogenic (1 of 4 stars; one submission).

Conditions:
Severe combined immunodeficiency due to IKK2 deficiency. Also called: Immunodeficiency 15; IMMUNODEFICIENCY 15B. Identifiers: Orphanet 397787, MedGen C4747743, MONDO:0014267, OMIM 615592.

gnomAD v4.1: 1 of 1,613,914 alleles (0.000062%); no homozygotes.

Submission:

Labcorp Genetics (formerly Invitae), Labcorp
Classification: Pathogenic for Severe combined immunodeficiency due to IKK2 deficiency. Last evaluated: 2025-12-18. Review status: criteria provided, single submitter. Criteria: Invitae Variant Classification Sherloc (09022015). Collection method: clinical testing. Allele origin: germline.
Comment: This sequence change creates a premature translational stop signal (p.Gln425*) in the IKBKB gene. It is expected to result in an absent or disrupted protein product. Loss-of-function variants in IKBKB are known to be pathogenic (PMID: 24369075, 24679846). This variant is not present in population databases (gnomAD no frequency). This variant has not been reported in the literature in individuals affected with IKBKB-related conditions. For these reasons, this variant has been classified as Pathogenic.

Literature cited by the submitters: PubMed 24369075; PubMed 24679846.

NM_001556.3(IKBKB):c.1273C>T (p.Gln425Ter)

Gene: IKBKB (inhibitor of nuclear factor kappa B kinase subunit beta; plus strand). Cytogenetic location: 8p11.21.
Variant type: single nucleotide variant.
Coding change: c.1273C>T on transcript NM_001556.3 (MANE Select); coding-DNA position 1273, C replaced by T.
Protein change: p.Gln425Ter; replaces glutamine 425 with a stop codon.
Molecular consequence: nonsense. On other transcripts: non-coding transcript variant (3).
Genome position (GRCh38, 1-based): chr8:42,318,584, C>T. VCF-style: chr8-42318584-C-T. GRCh37 (hg19) VCF-style: chr8-42176102-C-T.
Other names: c.1081C>T, p.Gln361Ter (NM_001190720.3); c.1096C>T, p.Gln366Ter (NM_001242778.2); short protein forms Q366*, Q425*, Q361*.
Identifiers: ClinVar variation 4733563 (VCV004733563.1).